The following is an entry in ClinVar:

NM_000334.4(SCN4A):c.724_725delinsAA (p.Ala242Asn)

Gene: SCN4A (sodium voltage-gated channel alpha subunit 4; minus strand). Cytogenetic location: 17q23.3.
Variant type: Indel.
Coding change: c.724_725delinsAA on transcript NM_000334.4 (MANE Select); coding-DNA positions 724 to 725, GC replaced by AA.
Protein change: p.Ala242Asn; replaces alanine 242 with asparagine.
Molecular consequence: missense variant.
Genome position (GRCh38, 1-based): chr17:63,968,334-63,968,335, GC replaced by TT on the plus strand (GC replaced by AA on the coding strand, the reverse complement: SCN4A is on the minus strand). VCF-style: chr17-63968334-GC-TT. GRCh37 (hg19) VCF-style: chr17-62045694-GC-TT.
Other names: short protein forms A242N.
Identifiers: ClinVar variation 2435749 (VCV002435749.4), dbSNP rs2509320869, ClinGen allele CA2580094614.

ClinVar aggregate classification (germline): Uncertain significance. Review status: criteria provided, multiple submitters, no conflicts (2 of 4 stars). 2 submissions from 2 submitters: Uncertain significance (2). Last evaluated 2024-05-20.

Submissions (2):

GeneDx
Classification: Uncertain significance. Last evaluated: 2024-05-20. Review status: criteria provided, single submitter. Criteria: GeneDx Variant Classification Process June 2021. Collection method: clinical testing. Allele origin: germline. Affected: yes.
Comment: Not observed at significant frequency in large population cohorts (gnomAD); In silico analysis supports a deleterious effect on protein structure/function; Has not been previously published as pathogenic or benign to our knowledge

Revvity Omics, Revvity
Classification: Uncertain significance. Last evaluated: 2022-11-22. Review status: criteria provided, single submitter. Criteria: ACMG Guidelines, 2015. Collection method: clinical testing. Allele origin: germline.